The following is an entry in ClinVar:

NM_177438.3(DICER1):c.3269+4T>C

Gene: DICER1 (dicer 1, ribonuclease III; minus strand). Cytogenetic location: 14q32.13.
Variant type: single nucleotide variant.
Coding change: c.3269+4T>C on transcript NM_177438.3 (MANE Select); 4 bases into the intron after coding-DNA position 3269, T replaced by C.
Molecular consequence: intron variant.
Genome position (GRCh38, 1-based): chr14:95,105,067, A>G on the plus strand (T>C on the coding strand, the complement: DICER1 is on the minus strand). VCF-style: chr14-95105067-A-G. GRCh37 (hg19) VCF-style: chr14-95571404-A-G.
Other names: c.3269+4T>C (NM_001291628.2, NM_030621.4, NM_001271282.3 and 1 more transcripts).
Identifiers: ClinVar variation 945206 (VCV000945206.13), dbSNP rs773127286, ClinGen allele CA1139663637.

ClinVar aggregate classification (germline): Uncertain significance. Review status: criteria provided, multiple submitters, no conflicts (2 of 4 stars). 2 submissions from 2 submitters: Uncertain significance (2). Last evaluated 2022-05-02.

Conditions:
DICER1-related tumor predisposition. Also called: DICER1-related pleuropulmonary blastoma cancer predisposition syndrome; DICER1 syndrome. Identifiers: Orphanet 284343, MedGen C3839822, MONDO:0100216.
Hereditary cancer-predisposing syndrome. Also called: Neoplastic Syndromes, Hereditary; Hereditary neoplastic syndrome; Hereditary Cancer Syndrome; Tumor predisposition. Identifiers: Orphanet 140162, MedGen C0027672, MeSH D009386, MONDO:0015356.

gnomAD v4.1: 2 of 1,613,882 alleles (0.00012%); highest among the groups gnomAD compares: Non-Finnish European, 0.00017%; no homozygotes.

Submissions (2):

Ambry Genetics
Classification: Uncertain significance for Hereditary cancer-predisposing syndrome. Last evaluated: 2022-05-02. Review status: criteria provided, single submitter. Criteria: Ambry Variant Classification Scheme 2023. Collection method: clinical testing. Allele origin: germline.
Comment: The c.3269+4T>C intronic variant results from a T to C substitution 4 nucleotides after coding exon 19 in the DICER1 gene. This nucleotide position is not well conserved in available vertebrate species. In silico splice site analysis predicts that this alteration will not have any significant effect on splicing; however, direct evidence is insufficient at this time (Ambry internal data). Since supporting evidence is limited at this time, the clinical significance of this alteration remains unclear.

Labcorp Genetics (formerly Invitae), Labcorp
Classification: Uncertain significance for DICER1-related tumor predisposition. Last evaluated: 2019-06-19. Review status: criteria provided, single submitter. Criteria: Invitae Variant Classification Sherloc (09022015). Collection method: clinical testing. Allele origin: germline.
Comment: In summary, the available evidence is currently insufficient to determine the role of this variant in disease. Therefore, it has been classified as a Variant of Uncertain Significance. Nucleotide substitutions within the consensus splice site are a relatively common cause of aberrant splicing (PMID: 17576681, 9536098). Algorithms developed to predict the effect of sequence changes on RNA splicing suggest that this variant is not likely to affect RNA splicing, but this prediction has not been confirmed by published transcriptional studies. This variant has not been reported in the literature in individuals with DICER1-related conditions. This variant is not present in population databases (ExAC no frequency). This sequence change falls in intron 20 of the DICER1 gene. It does not directly change the encoded amino acid sequence of the DICER1 protein, but it affects a nucleotide within the consensus splice site of the intron.

Literature cited by the submitters: PubMed 17576681 (cited by Labcorp Genetics (formerly Invitae), Labcorp); PubMed 9536098 (cited by Labcorp Genetics (formerly Invitae), Labcorp).